The following is an entry in ClinVar:

ClinVar aggregate classification (germline): Uncertain significance (1 of 4 stars; one submission).

Conditions:
BDNF-related disorder. Also called: BDNF-related condition.

Submission:

PreventionGenetics, part of Exact Sciences
Classification: Uncertain significance for BDNF-related condition. Last evaluated: 2026-05-12. Review status: criteria provided, single submitter. Criteria: ACMG Guidelines, 2015. Collection method: clinical testing. Allele origin: germline.
Comment: The BDNF c.103_105delTTT variant is predicted to result in an in-frame deletion (p.Phe35del). To our knowledge, this variant has not been reported in the literature or in a large population database (gnomAD), indicating this variant is rare. At this time, the clinical significance of this variant is uncertain due to the absence of conclusive functional and genetic evidence.

NM_001709.5(BDNF):c.-21-15597_-21-15595del

Genes: BDNF (brain derived neurotrophic factor; minus strand), BDNF-AS (BDNF antisense RNA; plus strand). Cytogenetic location: 11p14.1.
Variant type: Deletion.
Coding change: c.-21-15597_-21-15595del on transcript NM_001709.5 (MANE Select); 15597 bases into the intron before 21 bases upstream of the start codon through 15595 bases into the intron before 21 bases upstream of the start codon, 3 bases deleted (TTT; older notation c.-21-15597_-21-15595delTTT).
Molecular consequence: intron variant. On other transcripts: inframe deletion (1), 5 prime UTR variant (1).
Genome position (GRCh38, 1-based): chr11:27,674,180-27,674,182, AAA deleted on the plus strand (TTT on the coding strand, the reverse complement: BDNF is on the minus strand); deleting any 3 consecutive bases within chr11:27,674,180-27,674,183 gives the same sequence; the c. name uses the placement nearest the transcript's 3' end. VCF-style (leftmost placement, unchanged base first): chr11-27674179-CAAA-C. GRCh37 (hg19) VCF-style: chr11-27695726-CAAA-C.
Other names: c.103_105del, p.Phe35del (NM_001143810.2); c.-261_-259del (NM_001143811.2); c.4-15597_4-15595del (NM_170731.5); c.-21-15597_-21-15595del (NM_001143805.1, NM_001143806.1, NM_170732.4 and 5 more transcripts); c.67-15597_67-15595del (NM_001143809.2); c.-128-15256_-128-15254del (NM_001143814.2); c.25-15597_25-15595del (NM_170734.4); short protein forms F35del.
Identifiers: ClinVar variation 4992982 (VCV004992982.1).